The following is an entry in ClinVar:

ClinVar aggregate classification (germline): Pathogenic (1 of 4 stars; one submission).

Conditions:
Exostoses, multiple, type 2 (EXT2). Also called: Hereditary Multiple Osteochondromatosis, Type II; EXOSTOSES, MULTIPLE, TYPE II. Identifiers: Orphanet 321, MedGen C1851413, MONDO:0007586, OMIM 133701.

Submission:

Labcorp Genetics (formerly Invitae), Labcorp
Classification: Pathogenic for Exostoses, multiple, type 2. Last evaluated: 2024-03-09. Review status: criteria provided, single submitter. Criteria: Invitae Variant Classification Sherloc (09022015). Collection method: clinical testing. Allele origin: germline.
Comment: This sequence change creates a premature translational stop signal (p.Tyr252*) in the EXT2 gene. It is expected to result in an absent or disrupted protein product. Loss-of-function variants in EXT2 are known to be pathogenic (PMID: 10679937, 19810120). This variant is not present in population databases (gnomAD no frequency). This premature translational stop signal has been observed in individual(s) with multiple osteochondromas (PMID: 17041877). ClinVar contains an entry for this variant (Variation ID: 839699). Algorithms developed to predict the effect of sequence changes on RNA splicing suggest that this variant may create or strengthen a splice site. For these reasons, this variant has been classified as Pathogenic.

Literature cited by the submitters: PubMed 10679937; PubMed 19810120; PubMed 17041877.

NM_207122.2(EXT2):c.756C>A (p.Tyr252Ter)

Gene: EXT2 (exostosin glycosyltransferase 2; plus strand). Cytogenetic location: 11p11.2.
Variant type: single nucleotide variant.
Coding change: c.756C>A on transcript NM_207122.2 (MANE Select); coding-DNA position 756, C replaced by A.
Protein change: p.Tyr252Ter; replaces tyrosine 252 with a stop codon.
Molecular consequence: nonsense.
Genome position (GRCh38, 1-based): chr11:44,124,801, C>A. VCF-style: chr11-44124801-C-A. GRCh37 (hg19) VCF-style: chr11-44146351-C-A.
Other names: c.855C>A, p.Tyr285Ter (NM_000401.3); c.756C>A, p.Tyr252Ter (NM_001178083.3, NM_001389628.1, NM_001389630.1); short protein forms Y285*, Y252*.
Identifiers: ClinVar variation 839699 (VCV000839699.8), dbSNP rs1954373394, ClinGen allele CA380166665.
Genomic context (GRCh38, chr11:44,124,801, plus strand): 5'-TAACATACCAGCTGCAATTTTCCAATCACCTGTTTTTTTCCCTTGTAGTCCACGGCAATA[C>A]TTCCTCCTGTCATCTCAGGTGGGTCTCCATCCTGAGTACAGAGAGGACCTAGAAGCCCTC-3'